The following is an entry in ClinVar:

ClinVar aggregate classification (germline): Likely benign. Review status: criteria provided, multiple submitters, no conflicts (2 of 4 stars). 9 submissions from 9 submitters: Likely benign (7). 2 of the submissions do not count toward it. Last evaluated 2026-02-04.

Conditions:
Cardiovascular phenotype. Identifiers: MedGen CN230736.
Alstrom syndrome (ALMS). Identifiers: Orphanet 64, MedGen C0268425, MONDO:0008763, OMIM 203800.

Allele frequency attached by ClinVar (database versions not stated): gnomAD 0.00065 and 0.00070; TOPMed 0.00065; gnomAD exomes 0.00079 and 0.00085; ExAC 0.00086; 1000 Genomes Project 30x 0.00094; 1000 Genomes Project 0.00100; ESP Exome Variant Server 0.00101.
gnomAD v4.1: 1,261 of 1,613,770 alleles (0.078%); highest among the groups gnomAD compares: South Asian, 0.11%; 2 homozygotes.

Submissions (9):

Labcorp Genetics (formerly Invitae), Labcorp
Classification: Likely benign for Alstrom syndrome. Last evaluated: 2026-02-04. Review status: criteria provided, single submitter. Criteria: Invitae Variant Classification Sherloc (09022015). Collection method: clinical testing. Allele origin: germline.

CeGaT Center for Human Genetics Tuebingen
Classification: Likely benign. Last evaluated: 2025-08-01. Review status: criteria provided, single submitter. Criteria: CeGaT Center For Human Genetics Tuebingen Variant Classification Criteria Version 2. Collection method: clinical testing. Allele origin: germline. Affected: yes. Observed: 6 variant alleles.
Comment: ALMS1: BP4, BP7

Blueprint Genetics
Classification: Likely benign. Last evaluated: 2024-11-25. Review status: criteria provided, single submitter. Criteria: ACMG Guidelines, 2015. Collection method: clinical testing. Allele origin: germline.

Women's Health and Genetics/Laboratory Corporation of America, LabCorp
Classification: Likely benign. Last evaluated: 2024-10-06. Review status: criteria provided, single submitter. Criteria: LabCorp Variant Classification Summary - May 2015. Collection method: clinical testing. Allele origin: germline.

GeneDx
Classification: Likely benign. Last evaluated: 2020-12-30. Review status: criteria provided, single submitter. Criteria: GeneDx Variant Classification Process June 2021. Collection method: clinical testing. Allele origin: germline. Affected: yes.

Ambry Genetics
Classification: Likely benign for Cardiovascular phenotype. Last evaluated: 2019-01-17. Review status: criteria provided, single submitter. Criteria: Ambry Variant Classification Scheme 2023. Collection method: clinical testing. Allele origin: germline.

Eurofins Ntd Llc (ga)
Classification: Likely benign. Last evaluated: 2018-01-30. Review status: criteria provided, single submitter. Criteria: EGL Classification Definitions 2015. Collection method: clinical testing. Allele origin: germline. Observed: 1 variant allele, 1 heterozygote.

Clinical Genetics, Academic Medical Center
Classification: Benign. Review status: no assertion criteria provided. Collection method: clinical testing. Allele origin: germline. Affected: yes. Study: VKGL Data-share Consensus. Not counted in ClinVar's aggregate classification.

Genome Diagnostics Laboratory, University Medical Center Utrecht
Classification: Benign. Review status: no assertion criteria provided. Collection method: clinical testing. Allele origin: germline. Affected: yes. Study: VKGL Data-share Consensus. Not counted in ClinVar's aggregate classification.

NM_001378454.1(ALMS1):c.3942A>C (p.Ser1314=)

Gene: ALMS1 (ALMS1 centrosome and basal body associated protein; plus strand). Cytogenetic location: 2p13.1.
Variant type: single nucleotide variant.
Coding change: c.3942A>C on transcript NM_001378454.1 (MANE Select); coding-DNA position 3942, A replaced by C.
Protein change: p.Ser1314=; no amino-acid change (serine 1314 retained).
Molecular consequence: synonymous variant.
Genome position (GRCh38, 1-based): chr2:73,450,469, A>C. VCF-style: chr2-73450469-A-C. GRCh37 (hg19) VCF-style: chr2-73677596-A-C.
Other names: c.3945A>C, p.Ser1315= (NM_015120.4).
Identifiers: ClinVar variation 240994 (VCV000240994.63), dbSNP rs186449817, ClinGen allele CA1713616.